The following is an entry in ClinVar:

NM_080732.4(EGLN2):c.209C>G (p.Ser70Cys)

Genes: EGLN2 (egl-9 family hypoxia inducible factor 2; plus strand), RAB4B-EGLN2 (RAB4B-EGLN2 readthrough (NMD candidate); plus strand). Cytogenetic location: 19q13.2.
Variant type: single nucleotide variant.
Coding change: c.209C>G on transcript NM_080732.4 (MANE Select); coding-DNA position 209, C replaced by G.
Protein change: p.Ser70Cys; replaces serine 70 with cysteine.
Molecular consequence: missense variant. On other transcripts: non-coding transcript variant (1).
Genome position (GRCh38, 1-based): chr19:40,800,781, C>G. VCF-style: chr19-40800781-C-G. GRCh37 (hg19) VCF-style: chr19-41306686-C-G.
Other names: c.209C>G, p.Ser70Cys (NM_053046.4); short protein forms S70C.
Identifiers: ClinVar variation 3228988 (VCV003228988.1), dbSNP rs2083250256, ClinGen allele CA405954779.
Genomic context (GRCh38, chr19:40,800,781, plus strand): 5'-GTCCAGGAGTGCCTAGTGAGGCCTCGGCAGGGAGTGGGACCCCCAGAGCCACAGCCACCT[C>G]TACCACTGCCAGCCCTCTTCGGGACGGTTTTGGCGGGCAGGATGGTGGTGAGCTGCGGCC-3'
Protein context (NP_542770.2, residues 60-80): GSGTPRATAT[Ser70Cys]TTASPLRDGF

ClinVar aggregate classification (germline): Uncertain significance (1 of 4 stars; one submission).

Submission:

Ambry Genetics
Classification: Uncertain significance. Last evaluated: 2024-03-13. Review status: criteria provided, single submitter. Criteria: Ambry Variant Classification Scheme 2023. Collection method: clinical testing. Allele origin: germline.
Comment: The p.S70C variant (also known as c.209C>G), located in coding exon 1 of the EGLN2 gene, results from a C to G substitution at nucleotide position 209. The serine at codon 70 is replaced by cysteine, an amino acid with dissimilar properties. This amino acid position is conserved. In addition, this alteration is predicted to be tolerated by in silico analysis. Based on the available evidence, the clinical significance of this alteration remains unclear.